The following is an entry in ClinVar:

ClinVar aggregate classification (germline): Uncertain significance (0 of 4 stars; one submission).

Conditions:
TTN-related disorder. Also called: TTN-related condition; TTN-related disease; TTN-related disorders.

gnomAD v4.1: 11 of 1,609,572 alleles (0.00068%); highest among the groups gnomAD compares: African/African-American, 0.0027%; no homozygotes.

Submission:

PreventionGenetics, part of Exact Sciences
Classification: Uncertain significance for TTN-related condition. Last evaluated: 2024-07-17. Review status: no assertion criteria provided. Collection method: clinical testing. Allele origin: germline.
Comment: The TTN c.68323A>G variant is predicted to result in the amino acid substitution p.Ile22775Val. To our knowledge, this variant has not been reported in the literature. This variant is reported in 0.0018% of alleles in individuals of European (Non-Finnish) descent in gnomAD. At this time, the clinical significance of this variant is uncertain due to the absence of conclusive functional and genetic evidence.

NM_001267550.2(TTN):c.68323A>G (p.Ile22775Val)

Genes: TTN (titin; minus strand), TTN-AS1 (TTN antisense RNA 1; plus strand), LOC126806423 (CDK7 strongly-dependent group 2 enhancer GRCh37_chr2:179443309-179444508; plus strand). Cytogenetic location: 2q31.2.
Variant type: single nucleotide variant.
Coding change: c.68323A>G on transcript NM_001267550.2 (MANE Select); coding-DNA position 68323, A replaced by G.
Protein change: p.Ile22775Val; replaces isoleucine 22775 with valine.
Molecular consequence: missense variant.
Genome position (GRCh38, 1-based): chr2:178,578,617, T>C on the plus strand (A>G on the coding strand, the complement: TTN is on the minus strand). VCF-style: chr2-178578617-T-C. GRCh37 (hg19) VCF-style: chr2-179443344-T-C.
Other names: c.63400A>G, p.Ile21134Val (NM_001256850.1); c.41128A>G, p.Ile13710Val (NM_003319.4); c.60619A>G, p.Ile20207Val (NM_133378.4); c.41503A>G, p.Ile13835Val (NM_133432.3); c.41704A>G, p.Ile13902Val (NM_133437.4); short protein forms I13710V, I13835V, I13902V, I20207V, I21134V, I22775V.
Identifiers: ClinVar variation 3351890 (VCV003351890.1).